The following is an entry in ClinVar:

NM_004655.4(AXIN2):c.442C>T (p.Gln148Ter)

Gene: AXIN2 (axin 2; minus strand). Cytogenetic location: 17q24.1.
Variant type: single nucleotide variant.
Coding change: c.442C>T on transcript NM_004655.4 (MANE Select); coding-DNA position 442, C replaced by T.
Protein change: p.Gln148Ter; replaces glutamine 148 with a stop codon.
Molecular consequence: nonsense.
Genome position (GRCh38, 1-based): chr17:65,558,179, G>A on the plus strand (C>T on the coding strand, the complement: AXIN2 is on the minus strand). VCF-style: chr17-65558179-G-A. GRCh37 (hg19) VCF-style: chr17-63554297-G-A.
Other names: c.442C>T, p.Gln148Ter (NM_001363813.1); short protein forms Q148*.
Identifiers: ClinVar variation 4812953 (VCV004812953.1).

ClinVar aggregate classification (germline): Pathogenic (1 of 4 stars; one submission).

Conditions:
Oligodontia-cancer predisposition syndrome. Also called: TOOTH AGENESIS-COLORECTAL CANCER SYNDROME. Identifiers: Orphanet 300576, MedGen C1837750, MONDO:0012075, OMIM 608615. Disease mechanism: loss of function.

Submission:

Myriad Genetics, Inc.
Classification: Pathogenic for Oligodontia-cancer predisposition syndrome. Last evaluated: 2025-12-12. Review status: criteria provided, single submitter. Criteria: Myriad Autosomal Dominant, Autosomal Recessive and X-Linked Classification Criteria (2023). Collection method: clinical testing. Allele origin: unknown.
Comment: This variant is considered pathogenic. This variant creates a termination codon and is predicted to result in premature protein truncation.